The following is an entry in ClinVar:

NM_030665.4(RAI1):c.1767G>A (p.Ala589=)

Gene: RAI1 (retinoic acid induced 1; plus strand). Cytogenetic location: 17p11.2.
Variant type: single nucleotide variant.
Coding change: c.1767G>A on transcript NM_030665.4 (MANE Select); coding-DNA position 1767, G replaced by A.
Protein change: p.Ala589=; no amino-acid change (alanine 589 retained).
Molecular consequence: synonymous variant.
Genome position (GRCh38, 1-based): chr17:17,794,715, G>A. VCF-style: chr17-17794715-G-A. GRCh37 (hg19) VCF-style: chr17-17698029-G-A.
Other names: c.1767G>A (NM_030665.3).
Identifiers: ClinVar variation 2194508 (VCV002194508.5), dbSNP rs770666609, ClinGen allele CA8418396.

ClinVar aggregate classification (germline): Likely benign. Review status: criteria provided, multiple submitters, no conflicts (2 of 4 stars). 2 submissions from 2 submitters: Likely benign (2). Last evaluated 2025-10-08.

Conditions:
RAI1-related disorder. Also called: RAI1-related condition.

Allele frequency attached by ClinVar (database versions not stated): ExAC 0.00003; gnomAD 0.00003; TOPMed 0.00002.
gnomAD v4.1: 31 of 1,611,470 alleles (0.0019%); highest among the groups gnomAD compares: African/African-American, 0.004%; no homozygotes.

Submissions (2):

Labcorp Genetics (formerly Invitae), Labcorp
Classification: Likely benign. Last evaluated: 2025-10-08. Review status: criteria provided, single submitter. Criteria: Invitae Variant Classification Sherloc (09022015). Collection method: clinical testing. Allele origin: germline.

PreventionGenetics, part of Exact Sciences
Classification: Likely benign for RAI1-related condition. Last evaluated: 2025-05-27. Review status: criteria provided, single submitter. Criteria: ACMG Guidelines, 2015. Collection method: clinical testing. Allele origin: germline.
Comment: This variant is classified as likely benign based on ACMG/AMP sequence variant interpretation guidelines (Richards et al. 2015 PMID: 25741868, with internal and published modifications).